The following is an entry in ClinVar:

NM_005751.5(AKAP9):c.8495A>G (p.Gln2832Arg)

Gene: AKAP9 (A-kinase anchoring protein 9; plus strand). Cytogenetic location: 7q21.2.
Variant type: single nucleotide variant.
Coding change: c.8495A>G on transcript NM_005751.5 (MANE Select); coding-DNA position 8495, A replaced by G.
Protein change: p.Gln2832Arg; replaces glutamine 2832 with arginine.
Molecular consequence: missense variant.
Genome position (GRCh38, 1-based): chr7:92,083,504, A>G. VCF-style: chr7-92083504-A-G. GRCh37 (hg19) VCF-style: chr7-91712818-A-G.
Other names: c.3140A>G, p.Gln1047Arg (NM_001379277.1); c.8471A>G, p.Gln2824Arg (NM_147185.3); short protein forms Q2832R, Q2824R, Q1047R.
Identifiers: ClinVar variation 519213 (VCV000519213.5), dbSNP rs775741227, ClinGen allele CA4337490.

ClinVar aggregate classification (germline): Uncertain significance (1 of 4 stars; one submission).

Conditions:
Cardiovascular phenotype. Identifiers: MedGen CN230736.

Allele frequency attached by ClinVar (database versions not stated): gnomAD exomes below 0.00001; ExAC 0.00001; gnomAD 0.00001; TOPMed 0.00001.
gnomAD v4.1: 4 of 1,611,446 alleles (0.00025%); highest among the groups gnomAD compares: Non-Finnish European, 0.00034%; no homozygotes.

Submission:

Ambry Genetics
Classification: Uncertain significance for Cardiovascular phenotype. Last evaluated: 2017-09-29. Review status: criteria provided, single submitter. Criteria: Ambry Variant Classification Scheme 2023. Collection method: clinical testing. Allele origin: germline.
Comment: The p.Q2832R variant (also known as c.8495A>G), located in coding exon 33 of the AKAP9 gene, results from an A to G substitution at nucleotide position 8495. The glutamine at codon 2832 is replaced by arginine, an amino acid with highly similar properties. This amino acid position is well conserved in available vertebrate species; however, arginine is the reference amino acid in other vertebrate species. In addition, this alteration is predicted to be tolerated by in silico analysis. Since supporting evidence is limited at this time, the clinical significance of this alteration remains unclear.